The following is an entry in ClinVar:

ClinVar aggregate classification (germline): Conflicting classifications of pathogenicity. Review status: criteria provided, conflicting classifications (1 of 4 stars). 2 submissions from 2 submitters: Uncertain significance (1); Likely benign (1). Last evaluated 2025-09-04.

Conditions:
ANK2-related disorder. Also called: ANK2-related condition.
Cardiovascular phenotype. Identifiers: MedGen CN230736.

Allele frequency attached by ClinVar (database versions not stated): gnomAD 0.00001; TOPMed 0.00001.
gnomAD v4.1: 7 of 1,613,914 alleles (0.00043%); highest among the groups gnomAD compares: Non-Finnish European, 0.00051%; no homozygotes.

Submissions (2):

Ambry Genetics
Classification: Likely benign for Cardiovascular phenotype. Last evaluated: 2025-09-04. Review status: criteria provided, single submitter. Criteria: Ambry Variant Classification Scheme 2023. Collection method: clinical testing. Allele origin: germline.

PreventionGenetics, part of Exact Sciences
Classification: Uncertain significance for ANK2-related condition. Last evaluated: 2023-05-27. Review status: criteria provided, single submitter. Criteria: ACMG Guidelines, 2015. Collection method: clinical testing. Allele origin: germline.
Comment: The ANK2 c.10117G>A variant is predicted to result in the amino acid substitution p.Ala3373Thr. To our knowledge, this variant has not been reported in the literature. This variant is reported in 0.00088% of alleles in individuals of European (Non-Finnish) descent in gnomAD. At this time, the clinical significance of this variant is uncertain due to the absence of conclusive functional and genetic evidence.

NM_001148.6(ANK2):c.10117G>A (p.Ala3373Thr)

Gene: ANK2 (ankyrin 2; plus strand). Cytogenetic location: 4q26.
Variant type: single nucleotide variant.
Coding change: c.10117G>A on transcript NM_001148.6 (MANE Select); coding-DNA position 10117, G replaced by A.
Protein change: p.Ala3373Thr; replaces alanine 3373 with threonine.
Molecular consequence: missense variant. On other transcripts: intron variant (68).
Genome position (GRCh38, 1-based): chr4:113,358,735, G>A. VCF-style: chr4-113358735-G-A. GRCh37 (hg19) VCF-style: chr4-114279891-G-A.
Other names: c.9883G>A, p.Ala3295Thr (NM_001386142.1); c.6517G>A, p.Ala2173Thr (NM_001386166.1); c.10258G>A, p.Ala3420Thr (NM_001386174.1); c.10234G>A, p.Ala3412Thr (NM_001386175.1); c.4412-2088G>A (NM_001386186.2, NM_001386148.2); c.4214-2088G>A (NM_001354269.3); c.4292-2088G>A (NM_001386187.2); c.4253-2088G>A (NM_001386147.1); and 35 more; short protein forms A2173T, A3295T, A3412T, A3373T, A3420T.
Identifiers: ClinVar variation 2585805 (VCV002585805.4), dbSNP rs1282117438, ClinGen allele CA357939715.